The following is an entry in ClinVar:

ClinVar aggregate classification (germline): Benign/Likely benign. Review status: criteria provided, multiple submitters, no conflicts (2 of 4 stars). 4 submissions from 4 submitters: Benign (1); Likely benign (2). 1 of the submissions does not count toward it. Last evaluated 2026-02-04.

Conditions:
ABCA3-related disorder. Also called: ABCA3-related condition.

Allele frequency attached by ClinVar (database versions not stated): gnomAD exomes 0.00014 and 0.00038; ExAC 0.00049; ESP Exome Variant Server 0.00162; gnomAD 0.00170 and 0.00184; TOPMed 0.00180; 1000 Genomes Project 0.00200; 1000 Genomes Project 30x 0.00219.
gnomAD v4.1: 476 of 1,614,252 alleles (0.029%); highest among the groups gnomAD compares: African/African-American, 0.56%; no homozygotes.

Submissions (4):

Labcorp Genetics (formerly Invitae), Labcorp
Classification: Benign. Last evaluated: 2026-02-04. Review status: criteria provided, single submitter. Criteria: Invitae Variant Classification Sherloc (09022015). Collection method: clinical testing. Allele origin: germline.

Blueprint Genetics
Classification: Likely benign. Last evaluated: 2024-07-18. Review status: criteria provided, single submitter. Criteria: ACMG Guidelines, 2015. Collection method: clinical testing. Allele origin: germline.

Eurofins Ntd Llc (ga)
Classification: Likely benign. Last evaluated: 2018-07-05. Review status: criteria provided, single submitter. Criteria: EGL ClinVar v180209 classification definitions. Collection method: clinical testing. Allele origin: germline. Observed: 1 variant allele, 1 heterozygote.

PreventionGenetics, part of Exact Sciences
Classification: Likely benign for ABCA3-related condition. Last evaluated: 2019-04-23. Review status: no assertion criteria provided. Collection method: clinical testing. Allele origin: germline. Not counted in ClinVar's aggregate classification.
Comment: This variant is classified as likely benign based on ACMG/AMP sequence variant interpretation guidelines (Richards et al. 2015 PMID: 25741868, with internal and published modifications).

NM_001089.3(ABCA3):c.954C>T (p.Ile318=)

Gene: ABCA3 (ATP binding cassette subfamily A member 3; minus strand). Cytogenetic location: 16p13.3.
Variant type: single nucleotide variant.
Coding change: c.954C>T on transcript NM_001089.3 (MANE Select); coding-DNA position 954, C replaced by T.
Protein change: p.Ile318=; no amino-acid change (isoleucine 318 retained).
Molecular consequence: synonymous variant.
Genome position (GRCh38, 1-based): chr16:2,317,684, G>A on the plus strand (C>T on the coding strand, the complement: ABCA3 is on the minus strand). VCF-style: chr16-2317684-G-A. GRCh37 (hg19) VCF-style: chr16-2367685-G-A.
Identifiers: ClinVar variation 597906 (VCV000597906.16), dbSNP rs35161127, ClinGen allele CA7841442.